The following is an entry in ClinVar:

ClinVar aggregate classification (germline): Uncertain significance (1 of 4 stars; one submission).

Conditions:
X-linked lymphoproliferative disease due to XIAP deficiency. Also called: XIAP DEFICIENCY; XIAP-Related Lymphoproliferative Disease, X-Linked. Identifiers: Orphanet 2442, Orphanet 538934, MedGen C1845076, MONDO:0010385, OMIM 300635.

Submission:

Labcorp Genetics (formerly Invitae), Labcorp
Classification: Uncertain significance for X-linked lymphoproliferative disease due to XIAP deficiency. Last evaluated: 2024-02-17. Review status: criteria provided, single submitter. Criteria: Invitae Variant Classification Sherloc (09022015). Collection method: clinical testing. Allele origin: germline.
Comment: This sequence change replaces asparagine, which is neutral and polar, with serine, which is neutral and polar, at codon 259 of the XIAP protein (p.Asn259Ser). This variant is not present in population databases (gnomAD no frequency). This variant has not been reported in the literature in individuals affected with XIAP-related conditions. ClinVar contains an entry for this variant (Variation ID: 1035393). Advanced modeling of protein sequence and biophysical properties (such as structural, functional, and spatial information, amino acid conservation, physicochemical variation, residue mobility, and thermodynamic stability) performed at Invitae indicates that this missense variant is not expected to disrupt XIAP protein function with a negative predictive value of 80%. In summary, the available evidence is currently insufficient to determine the role of this variant in disease. Therefore, it has been classified as a Variant of Uncertain Significance.

NM_001167.4(XIAP):c.776A>G (p.Asn259Ser)

Gene: XIAP (X-linked inhibitor of apoptosis; plus strand). Cytogenetic location: Xq25.
Variant type: single nucleotide variant.
Coding change: c.776A>G on transcript NM_001167.4 (MANE Select); coding-DNA position 776, A replaced by G.
Protein change: p.Asn259Ser; replaces asparagine 259 with serine.
Molecular consequence: missense variant.
Genome position (GRCh38, 1-based): chrX:123,886,438, A>G. VCF-style: chrX-123886438-A-G. GRCh37 (hg19) VCF-style: chrX-123020288-A-G.
Other names: c.776A>G, p.Asn259Ser (NM_001204401.2, NM_001378590.1, NM_001378591.1 and 1 more transcripts); short protein forms N259S.
Identifiers: ClinVar variation 1035393 (VCV001035393.7), dbSNP rs1602544717, ClinGen allele CA414124560.